The following is an entry in ClinVar:

ClinVar aggregate classification (germline): Uncertain significance. Review status: criteria provided, multiple submitters, no conflicts (2 of 4 stars). 2 submissions from 2 submitters: Uncertain significance (2). Last evaluated 2025-06-27.

Conditions:
Neuropathy, hereditary sensory and autonomic, type 2A (HSAN2A). Also called: ACROOSTEOLYSIS, GIACCAI TYPE; ACROOSTEOLYSIS, NEUROGENIC; MORVAN DISEASE; WNK1-Related HSAN2 (HSAN2A); HSAN IIA; NEUROPATHY, CONGENITAL SENSORY. Identifiers: Orphanet 970, MedGen C2752089, MONDO:0024309, OMIM 201300.
Pseudohypoaldosteronism type 2C (PHA2C). Also called: Pseudohypoaldosteronism Type IIC. Identifiers: Orphanet 757, Orphanet 88940, MedGen C1840391, MONDO:0013778, OMIM 614492.

Submissions (2):

ARUP Laboratories, Molecular Genetics and Genomics, ARUP Laboratories
Classification: Uncertain significance. Last evaluated: 2025-06-27. Review status: criteria provided, single submitter. Criteria: ARUP Molecular Germline Variant Investigation Process 2024. Collection method: clinical testing. Allele origin: germline.
Comment: The WNK1 c.500C>G; p.Ser167Cys variant (rs1404149752), to our knowledge, is not reported in the medical literature but reported in ClinVar (Variation ID: 3575337). This variant is found in the general population with an allele frequency of 0.003% (6/225972 alleles) in the Genome Aggregation Database (v2.1.1). Computational analyses predict that this variant is neutral (REVEL: 0.042). Due to limited information, the clinical significance of this variant is uncertain at this time.

Fulgent Genetics
Classification: Uncertain significance for Neuropathy, hereditary sensory and autonomic, type 2A; Pseudohypoaldosteronism type 2C. Last evaluated: 2024-05-12. Review status: criteria provided, single submitter. Criteria: ACMG Guidelines, 2015. Collection method: clinical testing. Allele origin: germline.

NM_018979.4(WNK1):c.500C>G (p.Ser167Cys)

Gene: WNK1 (WNK lysine deficient protein kinase 1; plus strand). Cytogenetic location: 12p13.33.
Variant type: single nucleotide variant.
Coding change: c.500C>G on transcript NM_018979.4 (MANE Select); coding-DNA position 500, C replaced by G.
Protein change: p.Ser167Cys; replaces serine 167 with cysteine.
Molecular consequence: missense variant.
Genome position (GRCh38, 1-based): chr12:754,065, C>G. VCF-style: chr12-754065-C-G. GRCh37 (hg19) VCF-style: chr12-863231-C-G.
Other names: c.500C>G, p.Ser167Cys (NM_001184985.2, NM_014823.3, NM_213655.5); short protein forms S167C.
Identifiers: ClinVar variation 3575337 (VCV003575337.2).
Genomic context (GRCh38, chr12:754,065, plus strand): 5'-CCGTCGCGGGCCCTGCCCCCTCGACTGTCCCCAGCAGTACCAGCAAAGACCGCCCAGTGT[C>G]CCAGCCTAGCCTTGTGGGGAGCAAAGAGGAGCCGCCGCCGGCGAGAAGTGGCAGCGGCGG-3'
Protein context (NP_061852.3, residues 157-177): PSSTSKDRPV[Ser167Cys]QPSLVGSKEE